The following is an entry in ClinVar:

NM_006912.6(RIT1):c.141A>G (p.Pro47=)

Gene: RIT1 (Ras like without CAAX 1; minus strand). Cytogenetic location: 1q22.
Variant type: single nucleotide variant.
Coding change: c.141A>G on transcript NM_006912.6 (MANE Select); coding-DNA position 141, A replaced by G.
Protein change: p.Pro47=; no amino-acid change (proline 47 retained).
Molecular consequence: synonymous variant.
Genome position (GRCh38, 1-based): chr1:155,910,472, T>C on the plus strand (A>G on the coding strand, the complement: RIT1 is on the minus strand). VCF-style: chr1-155910472-T-C. GRCh37 (hg19) VCF-style: chr1-155880263-T-C.
Other names: c.141A>G (NM_006912.4); c.141A>G, p.Pro47= (LRG_1372t1); c.33A>G, p.Pro11= (NM_001256820.2); c.192A>G, p.Pro64= (NM_001256821.2).
Identifiers: ClinVar variation 392265 (VCV000392265.4), dbSNP rs1057524417, ClinGen allele CA16603419.
Genomic context (GRCh38, chr1:155,910,472, plus strand): 5'-GGGGTATATTTGGAAACATAAGTGATGATCTGGCTTACCAATGGTGGGATCATGATCTTC[T>C]GGGAATCGGTGGCTGATGAACTGCATGGTCATGGCTTCAAAAGAAGAAATAAAAGTCAAA-3'
Protein context (NP_008843.1, residues 37-57): MTMQFISHRF[Pro47=]EDHDPTIEDA

ClinVar aggregate classification (germline): Likely benign. Review status: criteria provided, multiple submitters, no conflicts (2 of 4 stars). 3 submissions from 3 submitters: Likely benign (3). Last evaluated 2025-05-30.

Conditions:
Noonan syndrome 8 (NS8). Identifiers: Orphanet 648, MedGen C3809233, MONDO:0014143, OMIM 615355.
Cardiovascular phenotype. Identifiers: MedGen CN230736.

Allele frequency attached by ClinVar (database versions not stated): gnomAD exomes 0.00001; TOPMed 0.00001.
gnomAD v4.1: 3 of 1,614,194 alleles (0.00019%); highest among the groups gnomAD compares: East Asian, 0.0067%; no homozygotes.

Submissions (3):

Ambry Genetics
Classification: Likely benign for Cardiovascular phenotype. Last evaluated: 2025-05-30. Review status: criteria provided, single submitter. Criteria: Ambry Variant Classification Scheme 2023. Collection method: clinical testing. Allele origin: germline.

Labcorp Genetics (formerly Invitae), Labcorp
Classification: Likely benign for Noonan syndrome 8. Last evaluated: 2024-03-26. Review status: criteria provided, single submitter. Criteria: Invitae Variant Classification Sherloc (09022015). Collection method: clinical testing. Allele origin: germline.

GeneDx
Classification: Likely benign. Last evaluated: 2016-12-20. Review status: criteria provided, single submitter. Criteria: GeneDx Variant Classification (06012015). Collection method: clinical testing. Allele origin: germline. Affected: yes.
Comment: This variant is considered likely benign or benign based on one or more of the following criteria: it is a conservative change, it occurs at a poorly conserved position in the protein, it is predicted to be benign by multiple in silico algorithms, and/or has population frequency not consistent with disease.